The following is an entry in ClinVar:

NM_153676.4(USH1C):c.14T>G (p.Val5Gly)

Gene: USH1C (USH1 protein network component harmonin; minus strand). Cytogenetic location: 11p15.1.
Variant type: single nucleotide variant.
Coding change: c.14T>G on transcript NM_153676.4 (MANE Select); coding-DNA position 14, T replaced by G.
Protein change: p.Val5Gly; replaces valine 5 with glycine.
Molecular consequence: missense variant. On other transcripts: non-coding transcript variant (1).
Genome position (GRCh38, 1-based): chr11:17,544,294, A>C on the plus strand (T>G on the coding strand, the complement: USH1C is on the minus strand). VCF-style: chr11-17544294-A-C. GRCh37 (hg19) VCF-style: chr11-17565841-A-C.
Other names: c.14T>G, p.Val5Gly (NM_001297764.2, NM_005709.4); short protein forms V5G.
Identifiers: ClinVar variation 1903233 (VCV001903233.2), dbSNP rs1851606530, ClinGen allele CA379805207.

ClinVar aggregate classification (germline): Uncertain significance (1 of 4 stars; one submission).

Allele frequency attached by ClinVar (database versions not stated): gnomAD exomes below 0.00001; TOPMed below 0.00001.
gnomAD v4.1: 1 of 1,614,024 alleles (0.000062%); highest among the groups gnomAD compares: Non-Finnish European, 0.000085%; no homozygotes.

Submission:

Labcorp Genetics (formerly Invitae), Labcorp
Classification: Uncertain significance. Last evaluated: 2022-03-11. Review status: criteria provided, single submitter. Criteria: Invitae Variant Classification Sherloc (09022015). Collection method: clinical testing. Allele origin: germline.
Comment: This sequence change replaces valine, which is neutral and non-polar, with glycine, which is neutral and non-polar, at codon 5 of the USH1C protein (p.Val5Gly). This variant is not present in population databases (gnomAD no frequency). This variant has not been reported in the literature in individuals affected with USH1C-related conditions. Algorithms developed to predict the effect of missense changes on protein structure and function are either unavailable or do not agree on the potential impact of this missense change (SIFT: "Tolerated"; PolyPhen-2: "Possibly Damaging"; Align-GVGD: "Class C0"). In summary, the available evidence is currently insufficient to determine the role of this variant in disease. Therefore, it has been classified as a Variant of Uncertain Significance.